The following is an entry in ClinVar:

ClinVar aggregate classification (germline): Conflicting classifications of pathogenicity. Review status: criteria provided, conflicting classifications (1 of 4 stars). 6 submissions from 6 submitters: Uncertain significance (1); Likely benign (5). Last evaluated 2025-03-04.

Conditions:
Hereditary cancer-predisposing syndrome. Also called: Neoplastic Syndromes, Hereditary; Tumor predisposition; Hereditary Cancer Syndrome; Hereditary neoplastic syndrome. Identifiers: Orphanet 140162, MedGen C0027672, MeSH D009386, MONDO:0015356.

Allele frequency attached by ClinVar (database versions not stated): gnomAD exomes 0.00024 and 0.00040; 1000 Genomes Project 30x 0.00031; gnomAD 0.00031 and 0.00034; TOPMed 0.00031; ExAC 0.00035; 1000 Genomes Project 0.00040.
gnomAD v4.1: 394 of 1,515,198 alleles (0.026%); highest among the groups gnomAD compares: Middle Eastern, 1%; 2 homozygotes.

Submissions (6):

Center for Genomic Medicine, Rigshospitalet, Copenhagen University Hospital
Classification: Likely benign. Last evaluated: 2025-03-04. Review status: criteria provided, single submitter. Criteria: ACMG Guidelines, 2015. Collection method: clinical testing. Allele origin: germline.

Blueprint Genetics
Classification: Likely benign. Last evaluated: 2024-11-26. Review status: criteria provided, single submitter. Criteria: ACMG Guidelines, 2015. Collection method: clinical testing. Allele origin: germline.

PreventionGenetics, part of Exact Sciences
Classification: Likely benign. Last evaluated: 2017-11-28. Review status: criteria provided, single submitter. Criteria: ACMG Guidelines, 2015. Collection method: clinical testing. Allele origin: germline.

GeneDx
Classification: Likely benign. Last evaluated: 2017-10-30. Review status: criteria provided, single submitter. Criteria: GeneDx Variant Classification (06012015). Collection method: clinical testing. Allele origin: germline. Affected: yes.
Comment: This variant is considered likely benign or benign based on one or more of the following criteria: it is a conservative change, it occurs at a poorly conserved position in the protein, it is predicted to be benign by multiple in silico algorithms, and/or has population frequency not consistent with disease.

Ambry Genetics
Classification: Uncertain significance for Hereditary cancer-predisposing syndrome. Last evaluated: 2015-12-05. Review status: criteria provided, single submitter. Criteria: Ambry Variant Classification Scheme 2023. Collection method: clinical testing. Allele origin: germline.
Comment: The c.*18G>T alteration is located in the 3' untranslated region (3'UTR) of the POLE gene. This alteration consists of a deletion of 1 nucleotides after the last coding exon of the POLE gene. Based on insufficient or conflicting evidence, the clinical significance of this alteration remains unclear.

Breakthrough Genomics
Classification: Likely benign. Review status: criteria provided, single submitter. Criteria: ACMG Guidelines, 2015. Collection method: not provided. Allele origin: germline. Inheritance: Autosomal recessive inheritance. Affected: yes.

NM_006231.4(POLE):c.*18G>T

Gene: POLE (DNA polymerase epsilon, catalytic subunit; minus strand). Cytogenetic location: 12q24.33.
Variant type: single nucleotide variant.
Coding change: c.*18G>T on transcript NM_006231.4 (MANE Select); 18 bases downstream of the stop codon, G replaced by T.
Molecular consequence: 3 prime UTR variant.
Genome position (GRCh38, 1-based): chr12:132,624,679, C>A on the plus strand (G>T on the coding strand, the complement: POLE is on the minus strand). VCF-style: chr12-132624679-C-A. GRCh37 (hg19) VCF-style: chr12-133201265-C-A.
Identifiers: ClinVar variation 380640 (VCV000380640.12), dbSNP rs573406234, ClinGen allele CA6891943.
Genomic context (GRCh38, chr12:132,624,679, plus strand): 5'-TCACTGGAAGCACGGGGATGTGGCCTTGGCATCAGGAGGCCTGGCACGGACGCAGAGGCA[C>A]CCGGGGCCCGGGGCTGGCTAATGGCCCAGCTGTGGGTTCTTCTGCAGCAGCCACTCCAGG-3'